The following is an entry in ClinVar:

ClinVar aggregate classification (germline): Uncertain significance. Review status: criteria provided, multiple submitters, no conflicts (2 of 4 stars). 3 submissions from 3 submitters: Uncertain significance (3). Last evaluated 2024-08-23.

Conditions:
Cardiomyopathy (CMYO). Also called: Cardiomyopathies. Identifiers: Orphanet 167848, MedGen C0878544, MONDO:0004994, HP:0001638. Inheritance: Various modes of inheritance.
Arrhythmogenic right ventricular dysplasia 5. Also called: Arrhythmogenic Right Ventricular Dysplasia/Cardiomyopathy 5; ARRHYTHMOGENIC RIGHT VENTRICULAR DYSPLASIA, FAMILIAL, 5. Identifiers: MedGen C1858379, MONDO:0011459, OMIM 604400.

Submissions (3):

All of Us Research Program, National Institutes of Health
Classification: Uncertain significance for Arrhythmogenic right ventricular dysplasia 5. Last evaluated: 2024-08-23. Review status: criteria provided, single submitter. Criteria: ACMG Guidelines, 2015. Collection method: clinical testing. Allele origin: germline. Inheritance: Autosomal dominant inheritance. Observed: 2 variant alleles, 2 heterozygotes.
Comment: This missense variant replaces methionine with arginine at codon 121 of the TMEM43 protein. Computational prediction tool suggests that this variant may have deleterious impact on protein structure and function (internally defined REVEL score threshold >=0.7, PMID: 27666373). Splice site prediction tools suggest that this variant may not impact RNA splicing. To our knowledge, functional studies have not been performed for this variant. This variant has not been reported in individuals affected with cardiovascular disorders in the literature. This variant has not been identified in the general population by the Genome Aggregation Database (gnomAD). The available evidence is insufficient to determine the role of this variant in disease conclusively. Therefore, this variant is classified as a Variant of Uncertain Significance.

This study involves interpretation of variants in research participants for the purpose of population health screening. Participant phenotype was not available at the time of variant classification. Additional details can be found in publication PMID: 35346344, PMCID: PMC8962531

Color Diagnostics, LLC DBA Color Health
Classification: Uncertain significance for Cardiomyopathy. Last evaluated: 2024-03-07. Review status: criteria provided, single submitter. Criteria: ACMG Guidelines, 2015. Collection method: clinical testing. Allele origin: germline.
Comment: This missense variant replaces methionine with arginine at codon 121 of the TMEM43 protein. Computational prediction suggests that this variant may have deleterious impact on protein structure and function (internally defined REVEL score threshold >= 0.7, PMID: 27666373). To our knowledge, functional studies have not been reported for this variant. This variant has not been reported in individuals affected with cardiovascular disorders in the literature. This variant has not been identified in the general population by the Genome Aggregation Database (gnomAD). The available evidence is insufficient to determine the role of this variant in disease conclusively. Therefore, this variant is classified as a Variant of Uncertain Significance.

Labcorp Genetics (formerly Invitae), Labcorp
Classification: Uncertain significance for Arrhythmogenic right ventricular dysplasia 5. Last evaluated: 2021-08-24. Review status: criteria provided, single submitter. Criteria: Invitae Variant Classification Sherloc (09022015). Collection method: clinical testing. Allele origin: germline.
Comment: This sequence change replaces methionine with arginine at codon 121 of the TMEM43 protein (p.Met121Arg). The methionine residue is highly conserved and there is a moderate physicochemical difference between methionine and arginine. This variant is not present in population databases (ExAC no frequency). This variant has not been reported in the literature in individuals affected with TMEM43-related conditions. Algorithms developed to predict the effect of missense changes on protein structure and function are either unavailable or do not agree on the potential impact of this missense change (SIFT: "Deleterious"; PolyPhen-2: "Possibly Damaging"; Align-GVGD: "Class C0"). In summary, the available evidence is currently insufficient to determine the role of this variant in disease. Therefore, it has been classified as a Variant of Uncertain Significance.

NM_024334.3(TMEM43):c.362T>G (p.Met121Arg)

Gene: TMEM43 (transmembrane protein 43; plus strand). Cytogenetic location: 3p25.1.
Variant type: single nucleotide variant.
Coding change: c.362T>G on transcript NM_024334.3 (MANE Select); coding-DNA position 362, T replaced by G.
Protein change: p.Met121Arg; replaces methionine 121 with arginine.
Molecular consequence: missense variant.
Genome position (GRCh38, 1-based): chr3:14,131,644, T>G. VCF-style: chr3-14131644-T-G. GRCh37 (hg19) VCF-style: chr3-14173144-T-G.
Other names: short protein forms M121R.
Identifiers: ClinVar variation 846401 (VCV000846401.13), dbSNP rs1286177938, ClinGen allele CA351534886.